The following is an entry in ClinVar:

NM_004655.4(AXIN2):c.1610A>C (p.Gln537Pro)

Gene: AXIN2 (axin 2; minus strand). Cytogenetic location: 17q24.1.
Variant type: single nucleotide variant.
Coding change: c.1610A>C on transcript NM_004655.4 (MANE Select); coding-DNA position 1610, A replaced by C.
Protein change: p.Gln537Pro; replaces glutamine 537 with proline.
Molecular consequence: missense variant.
Genome position (GRCh38, 1-based): chr17:65,537,426, T>G on the plus strand (A>C on the coding strand, the complement: AXIN2 is on the minus strand). VCF-style: chr17-65537426-T-G. GRCh37 (hg19) VCF-style: chr17-63533544-T-G.
Other names: c.1610A>C, p.Gln537Pro (NM_001363813.1); short protein forms Q537P.
Identifiers: ClinVar variation 3656669 (VCV003656669.2).

ClinVar aggregate classification (germline): Uncertain significance (1 of 4 stars; one submission).

Conditions:
Oligodontia-cancer predisposition syndrome. Also called: TOOTH AGENESIS-COLORECTAL CANCER SYNDROME. Identifiers: Orphanet 300576, MedGen C1837750, MONDO:0012075, OMIM 608615. Disease mechanism: loss of function.

Submission:

Labcorp Genetics (formerly Invitae), Labcorp
Classification: Uncertain significance for Oligodontia-cancer predisposition syndrome. Last evaluated: 2024-06-15. Review status: criteria provided, single submitter. Criteria: Invitae Variant Classification Sherloc (09022015). Collection method: clinical testing. Allele origin: germline.
Comment: This sequence change replaces glutamine, which is neutral and polar, with proline, which is neutral and non-polar, at codon 537 of the AXIN2 protein (p.Gln537Pro). This variant is not present in population databases (gnomAD no frequency). This variant has not been reported in the literature in individuals affected with AXIN2-related conditions. Advanced modeling of protein sequence and biophysical properties (such as structural, functional, and spatial information, amino acid conservation, physicochemical variation, residue mobility, and thermodynamic stability) performed at Invitae indicates that this missense variant is not expected to disrupt AXIN2 protein function with a negative predictive value of 80%. In summary, the available evidence is currently insufficient to determine the role of this variant in disease. Therefore, it has been classified as a Variant of Uncertain Significance.